The following is an entry in ClinVar:

NM_001040108.2(MLH3):c.3205G>C (p.Ala1069Pro)

Gene: MLH3 (mutL homolog 3; minus strand). Cytogenetic location: 14q24.3.
Variant type: single nucleotide variant.
Coding change: c.3205G>C on transcript NM_001040108.2 (MANE Select); coding-DNA position 3205, G replaced by C.
Protein change: p.Ala1069Pro; replaces alanine 1069 with proline.
Molecular consequence: missense variant.
Genome position (GRCh38, 1-based): chr14:75,046,451, C>G on the plus strand (G>C on the coding strand, the complement: MLH3 is on the minus strand). VCF-style: chr14-75046451-C-G. GRCh37 (hg19) VCF-style: chr14-75513154-C-G.
Other names: c.3205G>C, p.Ala1069Pro (NM_014381.3); short protein forms A1069P.
Identifiers: ClinVar variation 4108627 (VCV004108627.1).

ClinVar aggregate classification (germline): Uncertain significance (1 of 4 stars; one submission).

Submission:

Ambry Genetics
Classification: Uncertain significance. Last evaluated: 2025-06-30. Review status: criteria provided, single submitter. Criteria: Ambry Variant Classification Scheme 2023. Collection method: clinical testing. Allele origin: germline.
Comment: The p.A1069P variant (also known as c.3205G>C), located in coding exon 1 of the MLH3 gene, results from a G to C substitution at nucleotide position 3205. The alanine at codon 1069 is replaced by proline, an amino acid with highly similar properties. This amino acid position is conserved. In addition, this alteration is predicted to be tolerated by in silico analysis. Based on the available evidence, the clinical significance of this variant remains unclear.